The following is an entry in ClinVar:

ClinVar aggregate classification (germline): Uncertain significance (1 of 4 stars; one submission).

gnomAD v4.1: 1 of 1,607,062 alleles (0.000062%); highest among the groups gnomAD compares: Admixed American, 0.0017%; no homozygotes.

Submission:

Labcorp Genetics (formerly Invitae), Labcorp
Classification: Uncertain significance. Last evaluated: 2024-03-15. Review status: criteria provided, single submitter. Criteria: Invitae Variant Classification Sherloc (09022015). Collection method: clinical testing. Allele origin: germline.
Comment: This sequence change replaces lysine, which is basic and polar, with arginine, which is basic and polar, at codon 1125 of the ALPK1 protein (p.Lys1125Arg). This variant is not present in population databases (gnomAD no frequency). This variant has not been reported in the literature in individuals affected with ALPK1-related conditions. An algorithm developed to predict the effect of missense changes on protein structure and function (PolyPhen-2) suggests that this variant is likely to be tolerated. In summary, the available evidence is currently insufficient to determine the role of this variant in disease. Therefore, it has been classified as a Variant of Uncertain Significance.

NM_025144.4(ALPK1):c.3374A>G (p.Lys1125Arg)

Gene: ALPK1 (alpha kinase 1; plus strand). Cytogenetic location: 4q25.
Variant type: single nucleotide variant.
Coding change: c.3374A>G on transcript NM_025144.4 (MANE Select); coding-DNA position 3374, A replaced by G.
Protein change: p.Lys1125Arg; replaces lysine 1125 with arginine.
Molecular consequence: missense variant.
Genome position (GRCh38, 1-based): chr4:112,439,708, A>G. VCF-style: chr4-112439708-A-G. GRCh37 (hg19) VCF-style: chr4-113360864-A-G.
Other names: c.3374A>G, p.Lys1125Arg (NM_001102406.2); c.3140A>G, p.Lys1047Arg (NM_001253884.2); short protein forms K1047R, K1125R.
Identifiers: ClinVar variation 3619544 (VCV003619544.2).